The following is an entry in ClinVar:

NM_032340.4(UQCC2):c.37T>C (p.Cys13Arg)

Gene: UQCC2 (ubiquinol-cytochrome c reductase complex assembly factor 2; minus strand). Cytogenetic location: 6p21.31.
Variant type: single nucleotide variant.
Coding change: c.37T>C on transcript NM_032340.4 (MANE Select); coding-DNA position 37, T replaced by C.
Protein change: p.Cys13Arg; replaces cysteine 13 with arginine.
Molecular consequence: missense variant.
Genome position (GRCh38, 1-based): chr6:33,711,650, A>G on the plus strand (T>C on the coding strand, the complement: UQCC2 is on the minus strand). VCF-style: chr6-33711650-A-G. GRCh37 (hg19) VCF-style: chr6-33679427-A-G.
Other names: short protein forms C13R.
Identifiers: ClinVar variation 1032949 (VCV001032949.1), dbSNP rs1167742265, ClinGen allele CA363681442.
Genomic context (GRCh38, chr6:33,711,650, plus strand): 5'-GTCGCAGGTAAGCGCCCAAGTCCCGGCCCCGTTTGGTCTCGTCCACTGGCCATTCCTCAC[A>G]GAGCTTAAGAAAACGCCGGTACCGGCTGGCCGCCATCTTGGGCCCCGCGTGTTCCCGCCT-3'
Protein context (NP_115716.1, residues 3-23): ASRYRRFLKL[Cys13Arg]EEWPVDETKR

ClinVar aggregate classification (germline): Uncertain significance (1 of 4 stars; one submission).

Conditions:
Mitochondrial complex III deficiency nuclear type 7. Identifiers: MedGen C4014408, MONDO:0014356, OMIM 615824.

Allele frequency attached by ClinVar (database versions not stated): gnomAD exomes below 0.00001.
gnomAD v4.1: 2 of 1,613,434 alleles (0.00012%); highest among the groups gnomAD compares: South Asian, 0.0022%; no homozygotes.

Submission:

Baylor Genetics
Classification: Uncertain significance for Mitochondrial complex III deficiency nuclear type 7. Last evaluated: 2018-01-22. Review status: criteria provided, single submitter. Criteria: ACMG Guidelines, 2015. Collection method: clinical testing. Allele origin: maternal. Affected: yes.
Comment: This variant was determined to be of uncertain significance according to ACMG Guidelines, 2015 [PMID:25741868].